The following is an entry in ClinVar:

NM_001008537.3(NEXMIF):c.2315G>A (p.Arg772His)

Gene: NEXMIF (neurite extension and migration factor; minus strand). Cytogenetic location: Xq13.3.
Variant type: single nucleotide variant.
Coding change: c.2315G>A on transcript NM_001008537.3 (MANE Select); coding-DNA position 2315, G replaced by A.
Protein change: p.Arg772His; replaces arginine 772 with histidine.
Molecular consequence: missense variant.
Genome position (GRCh38, 1-based): chrX:74,742,242, C>T on the plus strand (G>A on the coding strand, the complement: NEXMIF is on the minus strand). VCF-style: chrX-74742242-C-T. GRCh37 (hg19) VCF-style: chrX-73962077-C-T.
Other names: short protein forms R772H.
Identifiers: ClinVar variation 474063 (VCV000474063.47), dbSNP rs142822527, ClinGen allele CA10455061.

ClinVar aggregate classification (germline): Benign/Likely benign. Review status: criteria provided, multiple submitters, no conflicts (2 of 4 stars). 5 submissions from 5 submitters: Benign (2); Likely benign (3). Last evaluated 2026-09-01.

Allele frequency attached by ClinVar (database versions not stated): ExAC 0.00009; gnomAD exomes 0.00009 and 0.00010; TOPMed 0.00009; gnomAD 0.00014 and 0.00015; ESP Exome Variant Server 0.00028.
gnomAD v4.1: 121 of 1,209,534 alleles (0.01%); highest among the groups gnomAD compares: Non-Finnish European, 0.012%; no homozygotes.

Submissions (5):

CeGaT Center for Human Genetics Tuebingen
Classification: Likely benign. Last evaluated: 2026-09-01. Review status: criteria provided, single submitter. Criteria: CeGaT Center For Human Genetics Tuebingen Variant Classification Criteria Version 2. Collection method: clinical testing. Allele origin: germline. Affected: yes. Observed: 4 variant alleles.
Comment: NEXMIF: BP4, BS2

Labcorp Genetics (formerly Invitae), Labcorp
Classification: Benign. Last evaluated: 2025-12-16. Review status: criteria provided, single submitter. Criteria: Invitae Variant Classification Sherloc (09022015). Collection method: clinical testing. Allele origin: germline.

Laboratory of Genetics, Children's Clinical University Hospital Latvia
Classification: Benign. Last evaluated: 2025-02-16. Review status: criteria provided, single submitter. Criteria: ACMG Guidelines, 2015. Collection method: clinical testing. Allele origin: germline. Affected: yes.

Blueprint Genetics
Classification: Likely benign. Last evaluated: 2024-11-15. Review status: criteria provided, single submitter. Criteria: ACMG Guidelines, 2015. Collection method: clinical testing. Allele origin: germline.

Ambry Genetics
Classification: Likely benign. Last evaluated: 2024-05-15. Review status: criteria provided, single submitter. Criteria: Ambry Variant Classification Scheme 2023. Collection method: clinical testing. Allele origin: germline.